The following is an entry in ClinVar:

ClinVar aggregate classification (germline): Pathogenic (1 of 4 stars; one submission).

Submission:

Labcorp Genetics (formerly Invitae), Labcorp
Classification: Pathogenic. Last evaluated: 2026-01-07. Review status: criteria provided, single submitter. Criteria: Invitae Variant Classification Sherloc (09022015). Collection method: clinical testing. Allele origin: germline.
Comment: This sequence change creates a premature translational stop signal (p.Tyr2510Leufs*36) in the DNAH9 gene. It is expected to result in an absent or disrupted protein product. Loss-of-function variants in DNAH9 are known to be pathogenic (PMID: 30471718). This variant is not present in population databases (gnomAD no frequency). This variant has not been reported in the literature in individuals affected with DNAH9-related conditions. For these reasons, this variant has been classified as Pathogenic.

Literature cited by the submitters: PubMed 30471718.

NM_001372.4(DNAH9):c.7527dup (p.Tyr2510fs)

Gene: DNAH9 (dynein axonemal heavy chain 9; plus strand). Cytogenetic location: 17p12.
Variant type: Duplication.
Coding change: c.7527dup on transcript NM_001372.4 (MANE Select); coding-DNA position 7527, one base duplicated (C; older notation c.7527dupC).
Protein change: p.Tyr2510fs; shifts the reading frame from tyrosine 2510.
Molecular consequence: frameshift variant.
Genome position (GRCh38, 1-based): chr17:11,769,304, C duplicated. VCF-style (leftmost placement, unchanged base first): chr17-11769303-A-AC. GRCh37 (hg19) VCF-style: chr17-11672620-A-AC.
Other names: short protein forms Y2510fs.
Identifiers: ClinVar variation 4734115 (VCV004734115.1).